The following is an entry in ClinVar:

ClinVar aggregate classification (germline): Uncertain significance. Review status: criteria provided, single submitter (1 of 4 stars). 2 submissions from 2 submitters: Uncertain significance (1). 1 of the submissions does not count toward it. Last evaluated 2023-09-24.

Submissions (2):

Labcorp Genetics (formerly Invitae), Labcorp
Classification: Uncertain significance. Last evaluated: 2023-09-24. Review status: criteria provided, single submitter. Criteria: Invitae Variant Classification Sherloc (09022015). Collection method: clinical testing. Allele origin: germline.
Comment: This sequence change replaces asparagine, which is neutral and polar, with lysine, which is basic and polar, at codon 58 of the ABCA4 protein (p.Asn58Lys). This variant is not present in population databases (gnomAD no frequency). This missense change has been observed in individual(s) with ABCA4-related conditions (PMID: 11527935, 24011517). ClinVar contains an entry for this variant (Variation ID: 99074). Advanced modeling of protein sequence and biophysical properties (such as structural, functional, and spatial information, amino acid conservation, physicochemical variation, residue mobility, and thermodynamic stability) performed at Invitae indicates that this missense variant is expected to disrupt ABCA4 protein function. In summary, the available evidence is currently insufficient to determine the role of this variant in disease. Therefore, it has been classified as a Variant of Uncertain Significance.

Retina International
No classification provided. Review status: no classification provided. Collection method: not provided. Allele origin: not provided. Not counted in ClinVar's aggregate classification.

Literature cited by the submitters: PubMed 11527935 (cited by Labcorp Genetics (formerly Invitae), Labcorp); PubMed 24011517 (cited by Labcorp Genetics (formerly Invitae), Labcorp).

NM_000350.3(ABCA4):c.174C>G (p.Asn58Lys)

Gene: ABCA4 (ATP binding cassette subfamily A member 4; minus strand). Cytogenetic location: 1p22.1.
Variant type: single nucleotide variant.
Coding change: c.174C>G on transcript NM_000350.3 (MANE Select); coding-DNA position 174, C replaced by G.
Protein change: p.Asn58Lys; replaces asparagine 58 with lysine.
Molecular consequence: missense variant.
Genome position (GRCh38, 1-based): chr1:94,111,566, G>C on the plus strand (C>G on the coding strand, the complement: ABCA4 is on the minus strand). VCF-style: chr1-94111566-G-C. GRCh37 (hg19) VCF-style: chr1-94577122-G-C.
Other names: c.174C>G, p.Asn58Lys (NM_001425324.1); short protein forms N58K.
Identifiers: ClinVar variation 99074 (VCV000099074.4), dbSNP rs61748524, ClinGen allele CA226920.